The following is an entry in ClinVar:

NM_001127511.3(APC):c.-193G>C

Genes: APC (APC regulator of Wnt signaling pathway; plus strand), LOC129994371 (ATAC-STARR-seq lymphoblastoid active region 22910; plus strand). Cytogenetic location: 5q22.2.
Variant type: single nucleotide variant.
Coding change: c.-193G>C on transcript NM_001127511.3; 193 bases upstream of the start codon, G replaced by C.
Molecular consequence: 5 prime UTR variant. On other transcripts: non-coding transcript variant (2).
Genome position (GRCh38, 1-based): chr5:112,707,525, G>C. VCF-style: chr5-112707525-G-C. GRCh37 (hg19) VCF-style: chr5-112043222-G-C.
Other names: c.-376G>C (NM_001407460.1, NM_001407469.1, NM_001354895.2 and 3 more transcripts); c.-1411G>C (NM_001407470.1, NM_001407472.1); c.-193G>C (NM_001354897.2, NM_001354902.2, NM_001407446.1); c.-143G>C (NM_001407448.1, NM_001407450.1, NM_001407457.1 and 1 more transcripts); c.-167G>C (NM_001407453.1).
Identifiers: ClinVar variation 1054023 (VCV001054023.7), dbSNP rs1750570441, ClinGen allele CA2499217383.
Genomic context (GRCh38, chr5:112,707,525, plus strand): 5'-CTGTGGGAAGCCAGCAACACCTCTCACGCATGCGCATTGTAGTCTTCCCACCTCCCACAA[G>C]ATGGCGGAGGGCAAGTAGCAAGGGGGCGGGGTGTGGCCGCCGGAAGCCTAGCCGCTGCTC-3'

ClinVar aggregate classification (germline): Uncertain significance (1 of 4 stars; one submission).

Conditions:
Familial adenomatous polyposis 1 (FAP1). Also called: FAMILIAL ADENOMATOUS POLYPOSIS 1, ATTENUATED; POLYPOSIS, ADENOMATOUS INTESTINAL. Identifiers: MedGen C2713442, MONDO:0021056, OMIM 175100. Disease mechanism: loss of function.

Allele frequency attached by ClinVar (database versions not stated): gnomAD exomes below 0.00001.
gnomAD v4.1: 1 of 479,264 alleles (0.00021%); highest among the groups gnomAD compares: South Asian, 0.002%; no homozygotes.

Submission:

Labcorp Genetics (formerly Invitae), Labcorp
Classification: Uncertain significance for Familial adenomatous polyposis 1. Last evaluated: 2022-12-21. Review status: criteria provided, single submitter. Criteria: Invitae Variant Classification Sherloc (09022015). Collection method: clinical testing. Allele origin: germline.
Comment: This variant has not been reported in the literature in individuals affected with APC-related conditions. In summary, the available evidence is currently insufficient to determine the role of this variant in disease. Therefore, it has been classified as a Variant of Uncertain Significance. Experimental studies and prediction algorithms are not available or were not evaluated, and the functional significance of this variant is currently unknown. This variant is not present in population databases (gnomAD no frequency). This variant occurs in a non-coding region of the APC gene. It does not change the encoded amino acid sequence of the APC protein.